The following is an entry in ClinVar:

ClinVar aggregate classification (germline): Uncertain significance. Review status: criteria provided, multiple submitters, no conflicts (2 of 4 stars). 2 submissions from 2 submitters: Uncertain significance (2). Last evaluated 2025-01-20.

Conditions:
Developmental and epileptic encephalopathy. Identifiers: MedGen C5779964, MONDO:0100620.
Inborn genetic diseases. Identifiers: MedGen C0950123, MeSH D030342.

Allele frequency attached by ClinVar (database versions not stated): gnomAD 0.00001; 1000 Genomes Project 30x 0.00016; gnomAD exomes below 0.00001; TOPMed below 0.00001; ExAC 0.00001; 1000 Genomes Project 0.00020.
gnomAD v4.1: 4 of 1,613,928 alleles (0.00025%); highest among the groups gnomAD compares: African/African-American, 0.004%; no homozygotes.

Submissions (2):

Labcorp Genetics (formerly Invitae), Labcorp
Classification: Uncertain significance for Early-infantile DEE. Last evaluated: 2025-01-20. Review status: criteria provided, single submitter. Criteria: Invitae Variant Classification Sherloc (09022015). Collection method: clinical testing. Allele origin: germline.
Comment: This sequence change replaces asparagine, which is neutral and polar, with histidine, which is basic and polar, at codon 867 of the CACNA2D2 protein (p.Asn867His). This variant is present in population databases (rs369917706, gnomAD 0.003%). This variant has not been reported in the literature in individuals affected with CACNA2D2-related conditions. ClinVar contains an entry for this variant (Variation ID: 411014). An algorithm developed to predict the effect of missense changes on protein structure and function (PolyPhen-2) suggests that this variant¬†is likely to be tolerated. In summary, the available evidence is currently insufficient to determine the role of this variant in disease. Therefore, it has been classified as a Variant of Uncertain Significance.

Ambry Genetics
Classification: Uncertain significance for Inborn genetic diseases. Last evaluated: 2024-12-09. Review status: criteria provided, single submitter. Criteria: Ambry Variant Classification Scheme 2023. Collection method: clinical testing. Allele origin: germline.

NM_006030.4(CACNA2D2):c.2599A>C (p.Asn867His)

Genes: CACNA2D2 (calcium voltage-gated channel auxiliary subunit alpha2delta 2; minus strand), LOC101928965 (uncharacterized LOC101928965; plus strand), LOC127898564 (CYB561D2-LOC101928965; plus strand). Cytogenetic location: 3p21.31.
Variant type: single nucleotide variant.
Coding change: c.2599A>C on transcript NM_006030.4 (MANE Select); coding-DNA position 2599, A replaced by C.
Protein change: p.Asn867His; replaces asparagine 867 with histidine.
Molecular consequence: missense variant.
Genome position (GRCh38, 1-based): chr3:50,366,616, T>G on the plus strand (A>C on the coding strand, the complement: CACNA2D2 is on the minus strand). VCF-style: chr3-50366616-T-G. GRCh37 (hg19) VCF-style: chr3-50404047-T-G.
Other names: c.2599A>C, p.Asn867His (NM_001005505.3); c.2620A>C, p.Asn874His (NM_001174051.3); c.2392A>C, p.Asn798His (NM_001291101.1); c.2620A>C (NM_001174051.1); short protein forms N867H, N874H, N798H.
Identifiers: ClinVar variation 411014 (VCV000411014.6), dbSNP rs369917706, ClinGen allele CA2418428.